The following is an entry in ClinVar:

ClinVar aggregate classification (germline): Uncertain significance (1 of 4 stars; one submission).

Allele frequency attached by ClinVar (database versions not stated): TOPMed below 0.00001; ExAC 0.00001; gnomAD exomes 0.00001 and 0.00002.

Submission:

Labcorp Genetics (formerly Invitae), Labcorp
Classification: Uncertain significance. Last evaluated: 2022-07-05. Review status: criteria provided, single submitter. Criteria: Invitae Variant Classification Sherloc (09022015). Collection method: clinical testing. Allele origin: germline.
Comment: This sequence change replaces leucine, which is neutral and non-polar, with histidine, which is basic and polar, at codon 240 of the GTPBP3 protein (p.Leu240His). This variant is present in population databases (rs775044613, gnomAD 0.002%). This variant has not been reported in the literature in individuals affected with GTPBP3-related conditions. ClinVar contains an entry for this variant (Variation ID: 1439397). Algorithms developed to predict the effect of missense changes on protein structure and function are either unavailable or do not agree on the potential impact of this missense change (SIFT: "Deleterious"; PolyPhen-2: "Benign"; Align-GVGD: "Class C0"). In summary, the available evidence is currently insufficient to determine the role of this variant in disease. Therefore, it has been classified as a Variant of Uncertain Significance.

NM_032620.4(GTPBP3):c.665-42T>A

Gene: GTPBP3 (GTP binding protein 3, mitochondrial; plus strand). Cytogenetic location: 19p13.11.
Variant type: single nucleotide variant.
Coding change: c.665-42T>A on transcript NM_032620.4 (MANE Select); 42 bases into the intron before coding-DNA position 665, T replaced by A.
Molecular consequence: intron variant. On other transcripts: missense variant (1).
Genome position (GRCh38, 1-based): chr19:17,339,081, T>A. VCF-style: chr19-17339081-T-A. GRCh37 (hg19) VCF-style: chr19-17449890-T-A.
Other names: c.719T>A, p.Leu240His (NM_133644.4); c.731-42T>A (NM_001195422.1); c.665-42T>A (NM_001128855.3); short protein forms L240H.
Identifiers: ClinVar variation 1439397 (VCV001439397.5), dbSNP rs775044613, ClinGen allele CA9293448.